The following is an entry in ClinVar:

ClinVar aggregate classification (germline): Uncertain significance (1 of 4 stars; one submission).

Conditions:
Parathyroid carcinoma (PRTC). Also called: Parathyroid gland carcinoma; CDC73-Related Parathyroid Carcinoma. Identifiers: Orphanet 143, MedGen C0687150, MONDO:0012004, OMIM 608266, HP:0006780.

Submission:

Labcorp Genetics (formerly Invitae), Labcorp
Classification: Uncertain significance for Parathyroid carcinoma. Last evaluated: 2024-04-15. Review status: criteria provided, single submitter. Criteria: Invitae Variant Classification Sherloc (09022015). Collection method: clinical testing. Allele origin: germline.
Comment: This variant, c.124_126del, results in the deletion of 1 amino acid(s) of the CDC73 protein (p.Val42del), but otherwise preserves the integrity of the reading frame. This variant is not present in population databases (gnomAD no frequency). This variant has not been reported in the literature in individuals affected with CDC73-related conditions. Experimental studies and prediction algorithms are not available or were not evaluated, and the functional significance of this variant is currently unknown. In summary, the available evidence is currently insufficient to determine the role of this variant in disease. Therefore, it has been classified as a Variant of Uncertain Significance.

NM_024529.5(CDC73):c.121GTT[1] (p.Val42del)

Gene: CDC73 (cell division cycle 73; plus strand). Cytogenetic location: 1q31.2.
Variant type: Microsatellite.
Coding change: c.121GTT[1] on transcript NM_024529.5 (MANE Select); one copy of the 3-base unit GTT starting at c.121; the reference has two copies in a row; one copy, 3 bases deleted.
Protein change: p.Val42del; deletes valine 42.
Molecular consequence: inframe deletion.
Genome position (GRCh38, 1-based): chr1:193,122,324-193,122,326, GTT deleted; deleting any 3 consecutive bases within chr1:193,122,320-193,122,326 gives the same sequence; the position shown is the placement nearest the transcript's 3' end. VCF-style (leftmost placement, unchanged base first): chr1-193122319-ATGT-A. GRCh37 (hg19) VCF-style: chr1-193091449-ATGT-A.
Other names: short protein forms V42del.
Identifiers: ClinVar variation 1358121 (VCV001358121.8), dbSNP rs2103111771, ClinGen allele CA2580611523.